The following is an entry in ClinVar:

ClinVar aggregate classification (germline): Uncertain significance. Review status: criteria provided, multiple submitters, no conflicts (2 of 4 stars). 4 submissions from 4 submitters: Uncertain significance (3). 1 of the submissions does not count toward it. Last evaluated 2023-12-01.

Conditions:
RYR1-related disorder. Also called: RYR1-related condition; RYR1-related disorders. Identifiers: MedGen CN239331.
Malignant hyperthermia, susceptibility to, 1 (MHS1). Also called: RYR1-Related Malignant Hyperthermia Susceptibility; Malignant hyperthermia suceptibility 1; Anesthesia related hyperthermia; Malignant hyperpyrexia; Fulminating hyperpyrexia; Pharmacogenic myopathy. Identifiers: Orphanet 423, MedGen C2930980, MONDO:0007783, OMIM 145600.

Allele frequency attached by ClinVar (database versions not stated): gnomAD exomes 0.00001 and 0.00003; TOPMed 0.00002; ExAC 0.00003.
gnomAD v4.1: 35 of 1,611,318 alleles (0.0022%); highest among the groups gnomAD compares: Non-Finnish European, 0.0029%; no homozygotes.

Submissions (4):

All of Us Research Program, National Institutes of Health
Classification: Uncertain significance for Malignant hyperthermia, susceptibility to, 1. Last evaluated: 2023-12-01. Review status: criteria provided, single submitter. Criteria: ACMG Guidelines, 2015. Collection method: clinical testing. Allele origin: germline. Inheritance: Autosomal dominant inheritance. Observed: 2 variant alleles, 2 heterozygotes.
Comment: This variant causes a G to A nucleotide substitution at the +6 position of intron 30 of the RYR1 gene. To our knowledge, functional studies have not been reported for this variant. This variant has not been reported in individuals affected with RYR1-related disorders in the literature. This variant has been identified in 3/246884 chromosomes in the general population by the Genome Aggregation Database (gnomAD). The available evidence is insufficient to determine the role of this variant in disease conclusively. Therefore, this variant is classified as a Variant of Uncertain Significance.

This study involves interpretation of variants in research participants for the purpose of population health screening. Participant phenotype was not available at the time of variant classification. Additional details can be found in publication PMID: 35346344, PMCID: PMC8962531

Color Diagnostics, LLC DBA Color Health
Classification: Uncertain significance for Malignant hyperthermia, susceptibility to, 1. Last evaluated: 2023-09-21. Review status: criteria provided, single submitter. Criteria: ACMG Guidelines, 2015. Collection method: clinical testing. Allele origin: germline.
Comment: This variant causes a G to A nucleotide substitution at the +6 position of intron 30 of the RYR1 gene. To our knowledge, functional studies have not been reported for this variant. This variant has not been reported in individuals affected with RYR1-related disorders in the literature. This variant has been identified in 3/246884 chromosomes in the general population by the Genome Aggregation Database (gnomAD). The available evidence is insufficient to determine the role of this variant in disease conclusively. Therefore, this variant is classified as a Variant of Uncertain Significance.

Labcorp Genetics (formerly Invitae), Labcorp
Classification: Uncertain significance for RYR1-related disorder. Last evaluated: 2022-10-19. Review status: criteria provided, single submitter. Criteria: Invitae Variant Classification Sherloc (09022015). Collection method: clinical testing. Allele origin: germline.
Comment: This sequence change falls in intron 30 of the RYR1 gene. It does not directly change the encoded amino acid sequence of the RYR1 protein. It affects a nucleotide within the consensus splice site. This variant is present in population databases (rs771877667, gnomAD 0.003%). This variant has not been reported in the literature in individuals affected with RYR1-related conditions. ClinVar contains an entry for this variant (Variation ID: 1447187). Variants that disrupt the consensus splice site are a relatively common cause of aberrant splicing (PMID: 17576681, 9536098). Algorithms developed to predict the effect of sequence changes on RNA splicing suggest that this variant is not likely to affect RNA splicing. In summary, the available evidence is currently insufficient to determine the role of this variant in disease. Therefore, it has been classified as a Variant of Uncertain Significance.

PreventionGenetics, part of Exact Sciences
Classification: Likely benign for RYR1-related condition. Last evaluated: 2023-08-23. Review status: no assertion criteria provided. Collection method: clinical testing. Allele origin: germline. Not counted in ClinVar's aggregate classification.
Comment: This variant is classified as likely benign based on ACMG/AMP sequence variant interpretation guidelines (Richards et al. 2015 PMID: 25741868, with internal and published modifications).

Literature cited by the submitters: PubMed 17576681 (cited by Labcorp Genetics (formerly Invitae), Labcorp); PubMed 9536098 (cited by Labcorp Genetics (formerly Invitae), Labcorp).

NM_000540.3(RYR1):c.4454+6G>A

Gene: RYR1 (ryanodine receptor 1; plus strand). Cytogenetic location: 19q13.2.
Variant type: single nucleotide variant.
Coding change: c.4454+6G>A on transcript NM_000540.3 (MANE Select); 6 bases into the intron after coding-DNA position 4454, G replaced by A.
Molecular consequence: intron variant.
Genome position (GRCh38, 1-based): chr19:38,477,876, G>A. VCF-style: chr19-38477876-G-A. GRCh37 (hg19) VCF-style: chr19-38968516-G-A.
Other names: c.4454+6G>A (NM_001042723.2, NM_000540.2).
Identifiers: ClinVar variation 1447187 (VCV001447187.8), dbSNP rs771877667, ClinGen allele CA066089.